The following is an entry in ClinVar:

NM_139057.4(ADAMTS17):c.*743G>A

Gene: ADAMTS17 (ADAM metallopeptidase with thrombospondin type 1 motif 17; minus strand). Cytogenetic location: 15q26.3.
Variant type: single nucleotide variant.
Coding change: c.*743G>A on transcript NM_139057.4 (MANE Select); 743 bases downstream of the stop codon, G replaced by A.
Molecular consequence: 3 prime UTR variant.
Genome position (GRCh38, 1-based): chr15:99,973,659, C>T on the plus strand (G>A on the coding strand, the complement: ADAMTS17 is on the minus strand). VCF-style: chr15-99973659-C-T. GRCh37 (hg19) VCF-style: chr15-100513864-C-T.
Identifiers: ClinVar variation 315214 (VCV000315214.5), dbSNP rs74036641, ClinGen allele CA10646873.

ClinVar aggregate classification (germline): Benign (1 of 4 stars; one submission).

Conditions:
Weill-Marchesani 4 syndrome, recessive. Also called: Weill-Marchesani syndrome 4. Identifiers: Orphanet 363992, MedGen C2750787, MONDO:0013176, OMIM 613195.

Allele frequency attached by ClinVar (database versions not stated): 1000 Genomes Project 0.00839; gnomAD 0.00895 and 0.00963; 1000 Genomes Project 30x 0.00921; TOPMed 0.01015.

Submission:

Illumina Laboratory Services, Illumina
Classification: Benign for Weill-Marchesani 4 syndrome, recessive. Last evaluated: 2018-01-12. Review status: criteria provided, single submitter. Criteria: ICSL Variant Classification Criteria 13 December 2019. Collection method: clinical testing. Allele origin: germline.
Comment: This variant was observed in the ICSL laboratory as part of a predisposition screen in an ostensibly healthy population. It had not been previously curated by ICSL or reported in the Human Gene Mutation Database (HGMD: prior to June 1st, 2018), and was therefore a candidate for classification through an automated scoring system. Utilizing variant allele frequency, disease prevalence and penetrance estimates, and inheritance mode, an automated score was calculated to assess if this variant is too frequent to cause the disease. Based on the score and internal cut-off values, a variant classified as benign is not then subjected to further curation. The score for this variant resulted in a classification of benign for this disease.